The following is an entry in ClinVar:

ClinVar aggregate classification (germline): Uncertain significance (1 of 4 stars; one submission).

gnomAD v4.1: 88 of 1,574,104 alleles (0.0056%); highest among the groups gnomAD compares: Admixed American, 0.045%; no homozygotes.

Submissions (2):

Labcorp Genetics (formerly Invitae), Labcorp
Classification: Uncertain significance. Last evaluated: 2024-05-05. Review status: criteria provided, single submitter. Criteria: Invitae Variant Classification Sherloc (09022015). Collection method: clinical testing. Allele origin: germline.
Comment: This sequence change replaces aspartic acid, which is acidic and polar, with asparagine, which is neutral and polar, at codon 2294 of the FBN3 protein (p.Asp2294Asn). This variant also falls at the last nucleotide of exon 55, which is part of the consensus splice site for this exon. This variant is present in population databases (rs142911798, gnomAD 0.05%). This variant has not been reported in the literature in individuals affected with FBN3-related conditions. An algorithm developed to predict the effect of missense changes on protein structure and function (PolyPhen-2) suggests that this variant is likely to be disruptive. Variants that disrupt the consensus splice site are a relatively common cause of aberrant splicing (PMID: 17576681, 9536098). In summary, the available evidence is currently insufficient to determine the role of this variant in disease. Therefore, it has been classified as a Variant of Uncertain Significance.

Dr. Peter K. Rogan Lab, Western University
No classification provided (evidence only). Condition: Ovarian serous cystadenocarcinoma. Review status: no classification provided. Collection method: in vitro. Allele origin: not applicable. Functional consequence: retained intron. Not counted in ClinVar's aggregate classification.

Literature cited by the submitters: PubMed 17576681 (cited by Labcorp Genetics (formerly Invitae), Labcorp); PubMed 9536098 (cited by Labcorp Genetics (formerly Invitae), Labcorp).

NM_032447.5(FBN3):c.6880G>A (p.Asp2294Asn)

Gene: FBN3 (fibrillin 3; minus strand). Cytogenetic location: 19p13.2.
Variant type: single nucleotide variant.
Coding change: c.6880G>A on transcript NM_032447.5 (MANE Select); coding-DNA position 6880, G replaced by A.
Protein change: p.Asp2294Asn; replaces aspartic acid 2294 with asparagine.
Molecular consequence: missense variant.
Genome position (GRCh38, 1-based): chr19:8,086,200, C>T on the plus strand (G>A on the coding strand, the complement: FBN3 is on the minus strand). VCF-style: chr19-8086200-C-T. GRCh37 (hg19) VCF-style: chr19-8151084-C-T.
Other names: c.6880G>A, p.Asp2294Asn (NM_001321431.2); short protein forms D2294N.
Identifiers: ClinVar variation 3603684 (VCV003603684.2).